The following is an entry in ClinVar:

NM_021008.4(DEAF1):c.1010C>A (p.Pro337His)

Gene: DEAF1 (DEAF1 transcription factor; minus strand). Cytogenetic location: 11p15.5.
Variant type: single nucleotide variant.
Coding change: c.1010C>A on transcript NM_021008.4 (MANE Select); coding-DNA position 1010, C replaced by A.
Protein change: p.Pro337His; replaces proline 337 with histidine.
Molecular consequence: missense variant.
Genome position (GRCh38, 1-based): chr11:679,804, G>T on the plus strand (C>A on the coding strand, the complement: DEAF1 is on the minus strand). VCF-style: chr11-679804-G-T. GRCh37 (hg19) VCF-style: chr11-679804-G-T.
Other names: c.743C>A, p.Pro248His (NM_001293634.2); c.284C>A, p.Pro95His (NM_001367390.1); short protein forms P337H, P248H, P95H.
Identifiers: ClinVar variation 2969723 (VCV002969723.3), dbSNP rs372135504, ClinGen allele CA5786348.

ClinVar aggregate classification (germline): Uncertain significance (1 of 4 stars; one submission).

Allele frequency attached by ClinVar (database versions not stated): ESP Exome Variant Server 0.00008.
gnomAD v4.1: 1 of 1,613,706 alleles (0.000062%); no homozygotes.

Submission:

Labcorp Genetics (formerly Invitae), Labcorp
Classification: Uncertain significance. Last evaluated: 2024-03-07. Review status: criteria provided, single submitter. Criteria: Invitae Variant Classification Sherloc (09022015). Collection method: clinical testing. Allele origin: germline.
Comment: This sequence change replaces proline, which is neutral and non-polar, with histidine, which is basic and polar, at codon 337 of the DEAF1 protein (p.Pro337His). The frequency data for this variant in the population databases is considered unreliable, as metrics indicate poor data quality at this position in the gnomAD database. This variant has not been reported in the literature in individuals affected with DEAF1-related conditions. Advanced modeling of protein sequence and biophysical properties (such as structural, functional, and spatial information, amino acid conservation, physicochemical variation, residue mobility, and thermodynamic stability) performed at Invitae indicates that this missense variant is expected to disrupt DEAF1 protein function with a positive predictive value of 80%. In summary, the available evidence is currently insufficient to determine the role of this variant in disease. Therefore, it has been classified as a Variant of Uncertain Significance.